The following is an entry in ClinVar:

NM_002796.3(PSMB4):c.137C>T (p.Thr46Ile)

Gene: PSMB4 (proteasome 20S subunit beta 4; plus strand). Cytogenetic location: 1q21.3.
Variant type: single nucleotide variant.
Coding change: c.137C>T on transcript NM_002796.3 (MANE Select); coding-DNA position 137, C replaced by T.
Protein change: p.Thr46Ile; replaces threonine 46 with isoleucine.
Molecular consequence: missense variant.
Genome position (GRCh38, 1-based): chr1:151,399,724, C>T. VCF-style: chr1-151399724-C-T. GRCh37 (hg19) VCF-style: chr1-151372200-C-T.
Other names: short protein forms T46I.
Identifiers: ClinVar variation 4721524 (VCV004721524.1).
Genomic context (GRCh38, chr1:151,399,724, plus strand): 5'-CCACTCCCGATTCCTTCATGGATCCGGCGTCTGCACTTTACAGAGGTCCAATCACGCGGA[C>T]CCAGTAAGTTCTCGGCGCTTTCGTTTGCGTAGCGGGAGGGACCGTGGGGCCTGGTGCTGC-3'
Protein context (NP_002787.2, residues 36-56): SALYRGPITR[Thr46Ile]QNPMVTGTSV

ClinVar aggregate classification (germline): Uncertain significance (1 of 4 stars; one submission).

Submission:

Labcorp Genetics (formerly Invitae), Labcorp
Classification: Uncertain significance. Last evaluated: 2025-06-27. Review status: criteria provided, single submitter. Criteria: Invitae Variant Classification Sherloc (09022015). Collection method: clinical testing. Allele origin: germline.
Comment: This sequence change replaces threonine, which is neutral and polar, with isoleucine, which is neutral and non-polar, at codon 46 of the PSMB4 protein (p.Thr46Ile). This variant is not present in population databases (gnomAD no frequency). This variant has not been reported in the literature in individuals affected with PSMB4-related conditions. An algorithm developed to predict the effect of missense changes on protein structure and function (PolyPhen-2) suggests that this variant is likely to be disruptive. In summary, the available evidence is currently insufficient to determine the role of this variant in disease. Therefore, it has been classified as a Variant of Uncertain Significance.